The following is an entry in ClinVar:

NM_007129.5(ZIC2):c.1497C>T (p.Gly499=)

Gene: ZIC2 (Zic family zinc finger 2; plus strand). Cytogenetic location: 13q32.3.
Variant type: single nucleotide variant.
Coding change: c.1497C>T on transcript NM_007129.5 (MANE Select); coding-DNA position 1497, C replaced by T.
Protein change: p.Gly499=; no amino-acid change (glycine 499 retained).
Molecular consequence: synonymous variant.
Genome position (GRCh38, 1-based): chr13:99,985,580, C>T. VCF-style: chr13-99985580-C-T. GRCh37 (hg19) VCF-style: chr13-100637834-C-T.
Identifiers: ClinVar variation 772407 (VCV000772407.23), dbSNP rs186543347, ClinGen allele CA484543048.

ClinVar aggregate classification (germline): Likely benign. Review status: criteria provided, multiple submitters, no conflicts (2 of 4 stars). 3 submissions from 3 submitters: Likely benign (3). Last evaluated 2026-08-01.

Conditions:
Holoprosencephaly 5 (HPE5). Identifiers: Orphanet 2162, MedGen C1864827, MONDO:0012322, OMIM 609637.

Allele frequency attached by ClinVar (database versions not stated): TOPMed 0.00028.
gnomAD v4.1: 352 of 464,692 alleles (0.076%); highest among the groups gnomAD compares: Non-Finnish European, 0.097%; no homozygotes.

Submissions (3):

CeGaT Center for Human Genetics Tuebingen
Classification: Likely benign. Last evaluated: 2026-08-01. Review status: criteria provided, single submitter. Criteria: CeGaT Center For Human Genetics Tuebingen Variant Classification Criteria Version 2. Collection method: clinical testing. Allele origin: germline. Affected: yes. Observed: 2 variant alleles.
Comment: ZIC2: BP4, BP7

Labcorp Genetics (formerly Invitae), Labcorp
Classification: Likely benign for Holoprosencephaly 5. Last evaluated: 2026-01-09. Review status: criteria provided, single submitter. Criteria: Invitae Variant Classification Sherloc (09022015). Collection method: clinical testing. Allele origin: germline.

Blueprint Genetics
Classification: Likely benign. Last evaluated: 2024-06-28. Review status: criteria provided, single submitter. Criteria: ACMG Guidelines, 2015. Collection method: clinical testing. Allele origin: germline.